The following is an entry in ClinVar:

ClinVar aggregate classification (germline): Uncertain significance (1 of 4 stars; one submission).

Allele frequency attached by ClinVar (database versions not stated): gnomAD exomes 0.00001; TOPMed below 0.00001; ExAC 0.00002.
gnomAD v4.1: 10 of 1,614,090 alleles (0.00062%); highest among the groups gnomAD compares: Non-Finnish European, 0.00076%; no homozygotes.

Submission:

Labcorp Genetics (formerly Invitae), Labcorp
Classification: Uncertain significance. Last evaluated: 2025-10-26. Review status: criteria provided, single submitter. Criteria: Invitae Variant Classification Sherloc (09022015). Collection method: clinical testing. Allele origin: germline.
Comment: This sequence change replaces valine, which is neutral and non-polar, with methionine, which is neutral and non-polar, at codon 1596 of the CACNA1D protein (p.Val1596Met). This variant is present in population databases (rs770972652, gnomAD 0.002%). This variant has not been reported in the literature in individuals affected with CACNA1D-related conditions. ClinVar contains an entry for this variant (Variation ID: 3018098). Invitae Evidence Modeling of protein sequence and biophysical properties (such as structural, functional, and spatial information, amino acid conservation, physicochemical variation, residue mobility, and thermodynamic stability) indicates that this missense variant is not expected to disrupt CACNA1D protein function with a negative predictive value of 80%. In summary, the available evidence is currently insufficient to determine the role of this variant in disease. Therefore, it has been classified as a Variant of Uncertain Significance.

NM_001128840.3(CACNA1D):c.4726G>A (p.Val1576Met)

Gene: CACNA1D (calcium voltage-gated channel subunit alpha1 D; plus strand). Cytogenetic location: 3p21.1.
Variant type: single nucleotide variant.
Coding change: c.4726G>A on transcript NM_001128840.3 (MANE Select); coding-DNA position 4726, G replaced by A.
Protein change: p.Val1576Met; replaces valine 1576 with methionine.
Molecular consequence: missense variant.
Genome position (GRCh38, 1-based): chr3:53,781,601, G>A. VCF-style: chr3-53781601-G-A. GRCh37 (hg19) VCF-style: chr3-53815628-G-A.
Other names: c.4786G>A, p.Val1596Met (NM_000720.4); c.4681G>A, p.Val1561Met (NM_001128839.3); short protein forms V1561M, V1596M, V1576M.
Identifiers: ClinVar variation 3018098 (VCV003018098.3), dbSNP rs770972652, ClinGen allele CA2454972.